The following is an entry in ClinVar:

ClinVar aggregate classification (germline): Uncertain significance. Review status: criteria provided, multiple submitters, no conflicts (2 of 4 stars). 2 submissions from 2 submitters: Uncertain significance (2). Last evaluated 2025-04-13.

Conditions:
Inborn genetic diseases. Identifiers: MedGen C0950123, MeSH D030342.
3-methylglutaconic aciduria, type VIIB (MGCA7B). Also called: 3-methylglutaconic aciduria with cataracts, neurologic involvement and neutropenia; CLPB Deficiency; 3-methylglutaconic aciduria, type VII, with cataracts, neurologic involvement and neutropenia. Identifiers: Orphanet 445038, MedGen C5676893, MONDO:0014561, OMIM 616271.

Allele frequency attached by ClinVar (database versions not stated): ExAC 0.00001; TOPMed 0.00002.
gnomAD v4.1: 50 of 1,614,136 alleles (0.0031%); highest among the groups gnomAD compares: South Asian, 0.0044%; no homozygotes.

Submissions (2):

Ambry Genetics
Classification: Uncertain significance for Inborn genetic diseases. Last evaluated: 2025-04-13. Review status: criteria provided, single submitter. Criteria: Ambry Variant Classification Scheme 2023. Collection method: clinical testing. Allele origin: germline.

Labcorp Genetics (formerly Invitae), Labcorp
Classification: Uncertain significance for 3-methylglutaconic aciduria, type VIIB. Last evaluated: 2024-02-29. Review status: criteria provided, single submitter. Criteria: Invitae Variant Classification Sherloc (09022015). Collection method: clinical testing. Allele origin: germline.
Comment: This sequence change replaces aspartic acid, which is acidic and polar, with asparagine, which is neutral and polar, at codon 684 of the CLPB protein (p.Asp684Asn). This variant is present in population databases (rs781355066, gnomAD 0.006%). This variant has not been reported in the literature in individuals affected with CLPB-related conditions. ClinVar contains an entry for this variant (Variation ID: 2159908). An algorithm developed to predict the effect of missense changes on protein structure and function (PolyPhen-2) suggests that this variant is likely to be tolerated. In summary, the available evidence is currently insufficient to determine the role of this variant in disease. Therefore, it has been classified as a Variant of Uncertain Significance.

NM_001258392.3(CLPB):c.1960G>A (p.Asp654Asn)

Gene: CLPB (ClpB family mitochondrial disaggregase; minus strand). Cytogenetic location: 11q13.4.
Variant type: single nucleotide variant.
Coding change: c.1960G>A on transcript NM_001258392.3 (MANE Select); coding-DNA position 1960, G replaced by A.
Protein change: p.Asp654Asn; replaces aspartic acid 654 with asparagine.
Molecular consequence: missense variant.
Genome position (GRCh38, 1-based): chr11:72,293,441, C>T on the plus strand (G>A on the coding strand, the complement: CLPB is on the minus strand). VCF-style: chr11-72293441-C-T. GRCh37 (hg19) VCF-style: chr11-72004485-C-T.
Other names: c.1873G>A, p.Asp625Asn (NM_001258393.3); c.1915G>A, p.Asp639Asn (NM_001258394.3); c.2050G>A, p.Asp684Asn (NM_030813.6); c.2050G>A (NM_030813.3); short protein forms D625N, D639N, D684N, D654N.
Identifiers: ClinVar variation 2159908 (VCV002159908.5), dbSNP rs781355066, ClinGen allele CA6170982.